The following is an entry in ClinVar:

ClinVar aggregate classification (germline): Uncertain significance (1 of 4 stars; one submission).

Conditions:
Early-infantile DEE. Also called: Early infantile epileptic encephalopathy; Ohtahara syndrome; Early infantile epileptic encephalopathy with suppression bursts. Identifiers: Orphanet 1934, MedGen C0393706, MONDO:0800491.

Allele frequency attached by ClinVar (database versions not stated): gnomAD exomes below 0.00001; 1000 Genomes Project 30x 0.00016; 1000 Genomes Project 0.00020; gnomAD 0.00001.

Submission:

Labcorp Genetics (formerly Invitae), Labcorp
Classification: Uncertain significance for Early-infantile DEE. Last evaluated: 2022-04-22. Review status: criteria provided, single submitter. Criteria: Invitae Variant Classification Sherloc (09022015). Collection method: clinical testing. Allele origin: germline.
Comment: In summary, the available evidence is currently insufficient to determine the role of this variant in disease. Therefore, it has been classified as a Variant of Uncertain Significance. Advanced modeling of protein sequence and biophysical properties (such as structural, functional, and spatial information, amino acid conservation, physicochemical variation, residue mobility, and thermodynamic stability) performed at Invitae indicates that this missense variant is expected to disrupt SCN1A protein function. This variant has not been reported in the literature in individuals affected with SCN1A-related conditions. This variant is not present in population databases (gnomAD no frequency). This sequence change replaces methionine, which is neutral and non-polar, with threonine, which is neutral and polar, at codon 1882 of the SCN1A protein (p.Met1882Thr).

NM_001165963.4(SCN1A):c.5645T>C (p.Met1882Thr)

Genes: SCN1A (sodium voltage-gated channel alpha subunit 1; minus strand), LOC102724058 (uncharacterized LOC102724058; plus strand). Cytogenetic location: 2q24.3.
Variant type: single nucleotide variant.
Coding change: c.5645T>C on transcript NM_001165963.4 (MANE Select); coding-DNA position 5645, T replaced by C.
Protein change: p.Met1882Thr; replaces methionine 1882 with threonine.
Molecular consequence: missense variant. On other transcripts: non-coding transcript variant (1).
Genome position (GRCh38, 1-based): chr2:165,991,630, A>G on the plus strand (T>C on the coding strand, the complement: SCN1A is on the minus strand). VCF-style: chr2-165991630-A-G. GRCh37 (hg19) VCF-style: chr2-166848140-A-G.
Other names: c.5645T>C, p.Met1882Thr (NM_001353948.2, NM_001202435.3); c.5612T>C, p.Met1871Thr (NM_001353949.2, NM_001353950.2, NM_001353951.2 and 2 more transcripts); c.5609T>C, p.Met1870Thr (NM_001353954.2, NM_001353955.2); c.5561T>C, p.Met1854Thr (NM_001353957.2, NM_001353958.2, NM_001165964.3); c.5558T>C, p.Met1853Thr (NM_001353960.2); c.3203T>C, p.Met1068Thr (NM_001353961.2); short protein forms M1068T, M1853T, M1854T, M1871T, M1870T, M1882T.
Identifiers: ClinVar variation 2129110 (VCV002129110.4), dbSNP rs530954206, ClinGen allele CA59798028.